The following is an entry in ClinVar:

NM_014714.4(IFT140):c.1304G>A (p.Gly435Glu)

Genes: IFT140 (intraflagellar transport 140; minus strand), LOC105371046 (uncharacterized LOC105371046; plus strand). Cytogenetic location: 16p13.3.
Variant type: single nucleotide variant.
Coding change: c.1304G>A on transcript NM_014714.4 (MANE Select); coding-DNA position 1304, G replaced by A.
Protein change: p.Gly435Glu; replaces glycine 435 with glutamic acid.
Molecular consequence: missense variant.
Genome position (GRCh38, 1-based): chr16:1,584,272, C>T on the plus strand (G>A on the coding strand, the complement: IFT140 is on the minus strand). VCF-style: chr16-1584272-C-T. GRCh37 (hg19) VCF-style: chr16-1634273-C-T.
Other names: c.1304G>A (NM_014714.3); short protein forms G435E.
Identifiers: ClinVar variation 1041742 (VCV001041742.11), dbSNP rs201033016, ClinGen allele CA7814376.

ClinVar aggregate classification (germline): Conflicting classifications of pathogenicity. Review status: criteria provided, conflicting classifications (1 of 4 stars). 4 submissions from 4 submitters: Uncertain significance (3); Likely benign (1). Last evaluated 2026-07-08.

Conditions:
IFT140-related disorder. Also called: IFT140-related condition.
Saldino-Mainzer syndrome (SRTD9). Also called: SHORT-RIB THORACIC DYSPLASIA 9 WITHOUT POLYDACTYLY; CONORENAL SYNDROME; short-rib thoracic dysplasia 9 with or without polydactyly; Renal dysplasia, retinal pigmentary dystrophy, cerebellar ataxia and skeletal dysplasia. Identifiers: Orphanet 140969, MedGen C1849437, MONDO:0009964, OMIM 266920.
Inborn genetic diseases. Identifiers: MedGen C0950123, MeSH D030342.

Allele frequency attached by ClinVar (database versions not stated): TOPMed 0.00004; gnomAD 0.00005; ExAC 0.00008; gnomAD exomes 0.00008 and 0.00014.
gnomAD v4.1: 212 of 1,613,650 alleles (0.013%); highest among the groups gnomAD compares: Non-Finnish European, 0.017%; no homozygotes.

Submissions (4):

PreventionGenetics, part of Exact Sciences
Classification: Uncertain significance for IFT140-related condition. Last evaluated: 2026-07-08. Review status: criteria provided, single submitter. Criteria: ACMG Guidelines, 2015. Collection method: clinical testing. Allele origin: germline.
Comment: The IFT140 c.1304G>A variant is predicted to result in the amino acid substitution p.Gly435Glu. To our knowledge, this variant has not been reported in the literature. This variant is reported in 0.012% of alleles in individuals of European (Non-Finnish) descent in gnomAD. At this time, the clinical significance of this variant is uncertain due to the absence of conclusive functional and genetic evidence.

Labcorp Genetics (formerly Invitae), Labcorp
Classification: Likely benign for Saldino-Mainzer syndrome. Last evaluated: 2026-01-28. Review status: criteria provided, single submitter. Criteria: Invitae Variant Classification Sherloc (09022015). Collection method: clinical testing. Allele origin: germline.

Ambry Genetics
Classification: Uncertain significance for Inborn genetic diseases. Last evaluated: 2025-08-30. Review status: criteria provided, single submitter. Criteria: Ambry Variant Classification Scheme 2023. Collection method: clinical testing. Allele origin: germline.

Blueprint Genetics
Classification: Uncertain significance. Last evaluated: 2023-12-27. Review status: criteria provided, single submitter. Criteria: ACMG Guidelines, 2015. Collection method: clinical testing. Allele origin: germline.